The following is an entry in ClinVar:

NM_001379200.1(TBX1):c.658G>A (p.Val220Met)

Gene: TBX1 (T-box transcription factor 1; plus strand). Cytogenetic location: 22q11.21.
Variant type: single nucleotide variant.
Coding change: c.658G>A on transcript NM_001379200.1 (MANE Select); coding-DNA position 658, G replaced by A.
Protein change: p.Val220Met; replaces valine 220 with methionine.
Molecular consequence: missense variant.
Genome position (GRCh38, 1-based): chr22:19,764,273, G>A. VCF-style: chr22-19764273-G-A. GRCh37 (hg19) VCF-style: chr22-19751796-G-A.
Other names: c.631G>A, p.Val211Met (NM_005992.1, NM_080646.2, NM_080647.1); short protein forms V220M, V211M.
Identifiers: ClinVar variation 1401017 (VCV001401017.8), dbSNP rs749275495, ClinGen allele CA10102514.

ClinVar aggregate classification (germline): Uncertain significance (1 of 4 stars; one submission).

Conditions:
DiGeorge syndrome. Also called: THIRD AND FOURTH PHARYNGEAL POUCH SYNDROME; Catch22. Identifiers: Orphanet 567, MedGen C0012236, MONDO:0008564, OMIM 188400.

Allele frequency attached by ClinVar (database versions not stated): gnomAD 0.00001; ExAC 0.00002; gnomAD exomes 0.00002 and 0.00003; TOPMed 0.00002.
gnomAD v4.1: 32 of 1,613,314 alleles (0.002%); highest among the groups gnomAD compares: South Asian, 0.0099%; no homozygotes.

Submission:

Labcorp Genetics (formerly Invitae), Labcorp
Classification: Uncertain significance for DiGeorge syndrome. Last evaluated: 2025-10-23. Review status: criteria provided, single submitter. Criteria: Invitae Variant Classification Sherloc (09022015). Collection method: clinical testing. Allele origin: germline.
Comment: This sequence change replaces valine, which is neutral and non-polar, with methionine, which is neutral and non-polar, at codon 211 of the TBX1 protein (p.Val211Met). This variant is present in population databases (rs749275495, gnomAD 0.02%). This variant has not been reported in the literature in individuals affected with TBX1-related conditions. ClinVar contains an entry for this variant (Variation ID: 1401017). Invitae Evidence Modeling of protein sequence and biophysical properties (such as structural, functional, and spatial information, amino acid conservation, physicochemical variation, residue mobility, and thermodynamic stability) indicates that this missense variant is not expected to disrupt TBX1 protein function with a negative predictive value of 80%. In summary, the available evidence is currently insufficient to determine the role of this variant in disease. Therefore, it has been classified as a Variant of Uncertain Significance.